The following is an entry in ClinVar:

NM_012062.5(DNM1L):c.176C>A (p.Thr59Asn)

Gene: DNM1L (dynamin 1L; plus strand). Cytogenetic location: 12p11.21.
Variant type: single nucleotide variant.
Coding change: c.176C>A on transcript NM_012062.5 (MANE Select); coding-DNA position 176, C replaced by A.
Protein change: p.Thr59Asn; replaces threonine 59 with asparagine.
Molecular consequence: missense variant. On other transcripts: 5 prime UTR variant (1).
Genome position (GRCh38, 1-based): chr12:32,701,488, C>A. VCF-style: chr12-32701488-C-A. GRCh37 (hg19) VCF-style: chr12-32854422-C-A.
Other names: c.176C>A, p.Thr59Asn (NM_001278463.2, NM_001278464.2, NM_001278465.2 and 3 more transcripts); c.-30C>A (NM_001278466.2); short protein forms T59N.
Identifiers: ClinVar variation 1195874 (VCV001195874.4), dbSNP rs2137302207, ClinGen allele CA384363403.

ClinVar aggregate classification (germline): Pathogenic/Likely pathogenic. Review status: criteria provided, multiple submitters, no conflicts (2 of 4 stars). 2 submissions from 2 submitters: Pathogenic (1); Likely pathogenic (1).

Conditions:
Encephalopathy, lethal, due to defective mitochondrial peroxisomal fission 1. Also called: Lethal Encephalopathy Due To Defective Mitochondrial Peroxisomal Fission. Identifiers: Orphanet 330050, MedGen C3280660, MONDO:0013726, OMIM 614388.

Submissions (2):

Centre de Génétique Humaine, Institut de Pathologie Et de Génétique
Classification: Pathogenic for Encephalopathy, lethal, due to defective mitochondrial peroxisomal fission 1. Review status: criteria provided, single submitter. Criteria: ACMG Guidelines, 2015. Collection method: clinical testing. Allele origin: de novo. Inheritance: Autosomal dominant inheritance. Affected: yes. Observed: 1 variant allele, 1 heterozygote.
Comment: The variant is absent from large population databases (GnomAD) and locates within the Dybamin, GTPase domain. Additionally, we performed in vitro functional studies on fibroblasts culture of the patient and we confirmed a decreased mitochondrial fission activity and a decreased peroxysomal density. In summary, the Thr59Asn variant meets our criteria to be classified as pathogenic based upon segregation studies, absence from controls, and functional evidence.

Juno Genomics, Hangzhou Juno Genomics, Inc
Classification: Likely pathogenic for Encephalopathy, lethal, due to defective mitochondrial peroxisomal fission 1. Review status: criteria provided, single submitter. Criteria: ACMG Guidelines, 2015. Collection method: clinical testing. Allele origin: germline.
Comment: Absent from controls (or at extremely low frequency if recessive) in Genome Aggregation Database.;Multiple lines of computational evidence support a deleterious effect on the gene or gene product.;Missense variant in a gene that has a low rate of benign missense variation.;Assumed de novo, but without confirmation of paternity and maternity.